The following is an entry in ClinVar:

NM_001009944.3(PKD1):c.2968_2969delinsCT (p.Ala990Leu)

Gene: PKD1 (polycystin 1, transient receptor potential channel interacting; minus strand). Cytogenetic location: 16p13.3.
Variant type: Indel.
Coding change: c.2968_2969delinsCT on transcript NM_001009944.3 (MANE Select); coding-DNA positions 2968 to 2969, GC replaced by CT.
Protein change: p.Ala990Leu; replaces alanine 990 with leucine.
Molecular consequence: missense variant.
Genome position (GRCh38, 1-based): chr16:2,113,177-2,113,178, GC replaced by AG on the plus strand (GC replaced by CT on the coding strand, the reverse complement: PKD1 is on the minus strand). VCF-style: chr16-2113177-GC-AG. GRCh37 (hg19) VCF-style: chr16-2163178-GC-AG.
Other names: c.2968_2969delinsCT, p.Ala990Leu (NM_000296.4); c.2968_2969delGCinsCT, p.Ala990Leu (NM_001009944.2); short protein forms A990L.
Identifiers: ClinVar variation 2663654 (VCV002663654.5), dbSNP rs2544844757, ClinGen allele CA2695197393.

ClinVar aggregate classification (germline): Uncertain significance. Review status: criteria provided, multiple submitters, no conflicts (2 of 4 stars). 4 submissions from 4 submitters: Uncertain significance (4). Last evaluated 2026-04-08.

Conditions:
Polycystic kidney disease, adult type (PKD1). Also called: Polycystic Kidney, Autosomal Dominant; Polycystic Kidney Disease 1, Autosomal Dominant; Polycystic kidney disease 1; Polycystic kidney disease 1, severe; POLYCYSTIC KIDNEY DISEASE, ADULT, TYPE I; POLYCYSTIC KIDNEY DISEASE 1 WITH OR WITHOUT POLYCYSTIC LIVER DISEASE. Identifiers: MedGen C3149841, MONDO:0008263, OMIM 173900.
PKD1-related disorder. Also called: PKD1-related condition.

Submissions (4):

PreventionGenetics, part of Exact Sciences
Classification: Uncertain significance for PKD1-related condition. Last evaluated: 2026-04-08. Review status: criteria provided, single submitter. Criteria: ACMG Guidelines, 2015. Collection method: clinical testing. Allele origin: germline.
Comment: The PKD1 c.2968_2969delinsCT variant is predicted to result in an in-frame deletion and insertion. To our knowledge, this variant has not been reported in the literature or in a large population database (gnomAD), indicating this variant is rare. At this time, the clinical significance of this variant is uncertain due to the absence of conclusive functional and genetic evidence.

Genetic Services Laboratory, University of Chicago
Classification: Uncertain significance. Last evaluated: 2024-11-13. Review status: criteria provided, single submitter. Criteria: ACMG Guidelines, 2015. Collection method: clinical testing. Allele origin: germline. Affected: no.
Comment: DNA sequence analysis of the PKD1 gene demonstrated a deletion and insertion of two base pairs in exon 12, c.2968_2969delinsCT. This in-frame deletion/insertion is predicted to result in a missense change, p.Ala990Leu. This sequence change has been described in the gnomAD database in one individual. This change does not appear to have been previously described in individuals with PKD1-related disorders. The functional significance of this sequence change is not known at present.

GeneDx
Classification: Uncertain significance. Last evaluated: 2023-05-19. Review status: criteria provided, single submitter. Criteria: GeneDx Variant Classification Process June 2021. Collection method: clinical testing. Allele origin: germline. Affected: yes.
Comment: Not observed at significant frequency in large population cohorts (gnomAD); In silico analysis supports a deleterious effect on protein structure/function; Has not been previously published as pathogenic or benign to our knowledge

Department of Pathology and Laboratory Medicine, Sinai Health System
Classification: Uncertain significance for Polycystic kidney disease, adult type. Last evaluated: 2022-06-14. Review status: criteria provided, single submitter. Criteria: ACMG Guidelines, 2015. Collection method: clinical testing. Allele origin: germline. Affected: yes.